The following is an entry in ClinVar:

ClinVar aggregate classification (germline): Uncertain significance. Review status: criteria provided, multiple submitters, no conflicts (2 of 4 stars). 2 submissions from 2 submitters: Uncertain significance (2). Last evaluated 2022-05-06.

Conditions:
Chédiak-Higashi syndrome (CHS). Also called: Chediak-Higashi Syndrome. Identifiers: Orphanet 167, MedGen C0007965, MONDO:0008963, OMIM 214500.

Submissions (2):

Labcorp Genetics (formerly Invitae), Labcorp
Classification: Uncertain significance for Chédiak-Higashi syndrome. Last evaluated: 2022-05-06. Review status: criteria provided, single submitter. Criteria: Invitae Variant Classification Sherloc (09022015). Collection method: clinical testing. Allele origin: germline.
Comment: Algorithms developed to predict the effect of sequence changes on RNA splicing suggest that this variant may disrupt the consensus splice site. Algorithms developed to predict the effect of missense changes on protein structure and function are either unavailable or do not agree on the potential impact of this missense change (SIFT: "Tolerated"; PolyPhen-2: "Probably Damaging"; Align-GVGD: "Class C0"). ClinVar contains an entry for this variant (Variation ID: 1304386). This variant has not been reported in the literature in individuals affected with LYST-related conditions. This variant is not present in population databases (gnomAD no frequency). This sequence change replaces cysteine, which is neutral and slightly polar, with glycine, which is neutral and non-polar, at codon 3701 of the LYST protein (p.Cys3701Gly). In summary, the available evidence is currently insufficient to determine the role of this variant in disease. Therefore, it has been classified as a Variant of Uncertain Significance.

GeneDx
Classification: Uncertain significance. Last evaluated: 2020-12-18. Review status: criteria provided, single submitter. Criteria: GeneDx Variant Classification Process June 2021. Collection method: clinical testing. Allele origin: germline. Affected: yes.
Comment: Not observed in large population cohorts (Lek et al., 2016); In silico analysis supports that this missense variant has a deleterious effect on protein structure/function; Has not been previously published as pathogenic or benign to our knowledge

NM_000081.4(LYST):c.11101T>G (p.Cys3701Gly)

Gene: LYST (lysosomal trafficking regulator; minus strand). Cytogenetic location: 1q42.3.
Variant type: single nucleotide variant.
Coding change: c.11101T>G on transcript NM_000081.4 (MANE Select); coding-DNA position 11101, T replaced by G.
Protein change: p.Cys3701Gly; replaces cysteine 3701 with glycine.
Molecular consequence: missense variant.
Genome position (GRCh38, 1-based): chr1:235,664,559, A>C on the plus strand (T>G on the coding strand, the complement: LYST is on the minus strand). VCF-style: chr1-235664559-A-C. GRCh37 (hg19) VCF-style: chr1-235827859-A-C.
Other names: c.11101T>G, p.Cys3701Gly (NM_001301365.1); short protein forms C3701G.
Identifiers: ClinVar variation 1304386 (VCV001304386.6), dbSNP rs1658277094, ClinGen allele CA344986936.